The following is an entry in ClinVar:

ClinVar aggregate classification (germline): Uncertain significance. Review status: criteria provided, multiple submitters, no conflicts (2 of 4 stars). 3 submissions from 3 submitters: Uncertain significance (3). Last evaluated 2025-10-15.

Conditions:
Inborn genetic diseases. Identifiers: MedGen C0950123, MeSH D030342.
Kufor-Rakeb syndrome (KRS). Also called: PARKINSON DISEASE 9, AUTOSOMAL RECESSIVE, JUVENILE-ONSET. Identifiers: Orphanet 306674, Orphanet 314632, MedGen C1847640, MONDO:0011706, OMIM 606693.
Autosomal recessive spastic paraplegia type 78. Identifiers: Orphanet 513436, MedGen C5567893, MONDO:0014975, OMIM 617225.

Allele frequency attached by ClinVar (database versions not stated): ExAC 0.00001; gnomAD 0.00001; gnomAD exomes 0.00001 and 0.00003; TOPMed 0.00002.

Submissions (3):

Ambry Genetics
Classification: Uncertain significance for Inborn genetic diseases. Last evaluated: 2025-10-15. Review status: criteria provided, single submitter. Criteria: Ambry Variant Classification Scheme 2023. Collection method: clinical testing. Allele origin: germline.

Neuberg Centre For Genomic Medicine, NCGM
Classification: Uncertain significance for Autosomal recessive spastic paraplegia type 78. Last evaluated: 2023-06-22. Review status: criteria provided, single submitter. Criteria: ACMG Guidelines, 2015. Collection method: clinical testing. Allele origin: germline. Inheritance: Autosomal recessive inheritance. Affected: yes.
Comment: The observed missense variant c.2479G>Ap.Gly827Arg in the ATP13A2 gene has not been reported previously as a pathogenic variant nor as a benign variant, to our knowledge. This variant is reported with the allele frequency 0.001% in the gnomAD Exomes. This variant has been reported to the ClinVar database as Uncertain Significance. However, no details are available for independent assessment. The amino acid Gly at position 827 is changed to a Arg changing protein sequence and it might alter its composition and physico- chemical properties. Multiple lines of computational evidence Polyphen - Probably damaging, SIFT - Damaging and MutationTaster - Disease causing predict a damaging effect on protein structure and function for this variant. The residue is conserved by GERP++ and PhyloP across 100 vertebrates. For these reasons, this variant has been classified as Uncertain Significance.

Labcorp Genetics (formerly Invitae), Labcorp
Classification: Uncertain significance for Kufor-Rakeb syndrome; Autosomal recessive spastic paraplegia type 78. Last evaluated: 2021-09-15. Review status: criteria provided, single submitter. Criteria: Invitae Variant Classification Sherloc (09022015). Collection method: clinical testing. Allele origin: germline.
Comment: This variant is present in population databases (rs765064192, ExAC 0.002%). In summary, the available evidence is currently insufficient to determine the role of this variant in disease. Therefore, it has been classified as a Variant of Uncertain Significance. Algorithms developed to predict the effect of sequence changes on RNA splicing suggest that this variant may create or strengthen a splice site. Advanced modeling of protein sequence and biophysical properties (such as structural, functional, and spatial information, amino acid conservation, physicochemical variation, residue mobility, and thermodynamic stability) performed at Invitae indicates that this missense variant is expected to disrupt ATP13A2 protein function. This variant has not been reported in the literature in individuals affected with ATP13A2-related conditions. This sequence change replaces glycine with arginine at codon 827 of the ATP13A2 protein (p.Gly827Arg). The glycine residue is highly conserved and there is a moderate physicochemical difference between glycine and arginine.

NM_022089.4(ATP13A2):c.2479G>A (p.Gly827Arg)

Gene: ATP13A2 (ATPase cation transporting 13A2; minus strand). Cytogenetic location: 1p36.13.
Variant type: single nucleotide variant.
Coding change: c.2479G>A on transcript NM_022089.4 (MANE Select); coding-DNA position 2479, G replaced by A.
Protein change: p.Gly827Arg; replaces glycine 827 with arginine.
Molecular consequence: missense variant. On other transcripts: intron variant (1).
Genome position (GRCh38, 1-based): chr1:16,989,937, C>T on the plus strand (G>A on the coding strand, the complement: ATP13A2 is on the minus strand). VCF-style: chr1-16989937-C-T. GRCh37 (hg19) VCF-style: chr1-17316432-C-T.
Other names: c.2464G>A, p.Gly822Arg (NM_001141973.3); c.2398-167G>A (NM_001141974.3); c.2479G>A (NM_022089.2); short protein forms G822R, G827R.
Identifiers: ClinVar variation 1490249 (VCV001490249.6), dbSNP rs765064192, ClinGen allele CA636817.